The following is an entry in ClinVar:

NM_001276270.2(MBD4):c.938_939insG (p.Glu314fs)

Gene: MBD4 (methyl-CpG binding domain 4, DNA glycosylase; minus strand). Cytogenetic location: 3q21.3.
Variant type: Insertion.
Coding change: c.938_939insG on transcript NM_001276270.2 (MANE Select); coding-DNA positions 938 to 939, G inserted.
Protein change: p.Glu314fs; shifts the reading frame from glutamic acid 314.
Molecular consequence: frameshift variant. On other transcripts: intron variant (1).
Genome position: GRCh38 VCF-style: chr3-129436705-T-TC. GRCh37 (hg19) VCF-style: chr3-129155548-T-TC.
Other names: c.938_939insG, p.Glu314fs (NM_001276271.2, NM_001276272.2, NM_003925.3); c.247+1102_247+1103insG (NM_001276273.2); short protein forms E314fs.
Identifiers: ClinVar variation 4104590 (VCV004104590.2).

ClinVar aggregate classification (germline): Pathogenic. Review status: criteria provided, multiple submitters, no conflicts (2 of 4 stars). 2 submissions from 2 submitters: Pathogenic (2). Last evaluated 2026-08-27.

Conditions:
Tumor predisposition syndrome 2 (TPDS2). Also called: MBD4-ASSOCIATED NEOPLASIA SYNDROME; MBD4-Related Tumor Predisposition Syndrome; MBD4-associated neoplasia syndrome (MANS). Identifiers: Orphanet 661526, MedGen C5774186, MONDO:0859267, OMIM 619975.
Inborn genetic diseases. Identifiers: MedGen C0950123, MeSH D030342.

Submissions (2):

Myriad Genetics, Inc.
Classification: Pathogenic for Tumor predisposition syndrome 2. Last evaluated: 2026-08-27. Review status: criteria provided, single submitter. Criteria: Myriad Autosomal Dominant, Autosomal Recessive and X-Linked Classification Criteria (2023). Collection method: clinical testing. Allele origin: unknown.
Comment: This variant is considered pathogenic. This variant creates a frameshift predicted to result in premature protein truncation.

Ambry Genetics
Classification: Pathogenic for Inborn genetic diseases. Last evaluated: 2025-08-08. Review status: criteria provided, single submitter. Criteria: Ambry Variant Classification Scheme 2023. Collection method: clinical testing. Allele origin: germline.
Comment: The c.938_939insG pathogenic mutation, located in coding exon 3 of the MBD4 gene, results from an insertion of one nucleotide at position 938, causing a translational frameshift with a predicted alternate stop codon (p.E314Rfs*13). This variant is considered to be rare based on population cohorts in the Genome Aggregation Database (gnomAD). This alteration is expected to result in loss of function by premature protein truncation or nonsense-mediated mRNA decay. As such, this alteration is interpreted as a disease-causing mutation.